The following is an entry in ClinVar:

ClinVar aggregate classification (germline): Uncertain significance (1 of 4 stars; one submission).

Allele frequency attached by ClinVar (database versions not stated): gnomAD exomes below 0.00001.
gnomAD v4.1: 1 of 1,611,524 alleles (0.000062%); highest among the groups gnomAD compares: Non-Finnish European, 0.000085%; no homozygotes.

Submission:

Labcorp Genetics (formerly Invitae), Labcorp
Classification: Uncertain significance. Last evaluated: 2023-07-29. Review status: criteria provided, single submitter. Criteria: Invitae Variant Classification Sherloc (09022015). Collection method: clinical testing. Allele origin: germline.
Comment: In summary, the available evidence is currently insufficient to determine the role of this variant in disease. Therefore, it has been classified as a Variant of Uncertain Significance. Algorithms developed to predict the effect of missense changes on protein structure and function output the following: SIFT: "Not Available"; PolyPhen-2: "Benign"; Align-GVGD: "Not Available". The glycine amino acid residue is found in multiple mammalian species, which suggests that this missense change does not adversely affect protein function. This variant has not been reported in the literature in individuals affected with REST-related conditions. This variant is not present in population databases (gnomAD no frequency). This sequence change replaces aspartic acid, which is acidic and polar, with glycine, which is neutral and non-polar, at codon 562 of the REST protein (p.Asp562Gly).

NM_005612.5(REST):c.1685A>G (p.Asp562Gly)

Gene: REST (RE1 silencing transcription factor; plus strand). Cytogenetic location: 4q12.
Variant type: single nucleotide variant.
Coding change: c.1685A>G on transcript NM_005612.5 (MANE Select); coding-DNA position 1685, A replaced by G.
Protein change: p.Asp562Gly; replaces aspartic acid 562 with glycine.
Molecular consequence: missense variant.
Genome position (GRCh38, 1-based): chr4:56,930,543, A>G. VCF-style: chr4-56930543-A-G. GRCh37 (hg19) VCF-style: chr4-57796709-A-G.
Other names: c.1685A>G, p.Asp562Gly (NM_001193508.2, NM_001363453.3); short protein forms D562G.
Identifiers: ClinVar variation 2747993 (VCV002747993.3), dbSNP rs2475850179, ClinGen allele CA357007180.